The following is an entry in ClinVar:

ClinVar aggregate classification (germline): Uncertain significance (1 of 4 stars; one submission).

Allele frequency attached by ClinVar (database versions not stated): ExAC 0.00002; TOPMed 0.00005; ESP Exome Variant Server 0.00008.
gnomAD v4.1: 27 of 1,612,222 alleles (0.0017%); highest among the groups gnomAD compares: Admixed American, 0.023%; no homozygotes.

Submission:

Labcorp Genetics (formerly Invitae), Labcorp
Classification: Uncertain significance. Last evaluated: 2023-07-25. Review status: criteria provided, single submitter. Criteria: Invitae Variant Classification Sherloc (09022015). Collection method: clinical testing. Allele origin: germline.
Comment: In summary, the available evidence is currently insufficient to determine the role of this variant in disease. Therefore, it has been classified as a Variant of Uncertain Significance. An algorithm developed to predict the effect of missense changes on protein structure and function (PolyPhen-2) suggests that this variant is likely to be disruptive. ClinVar contains an entry for this variant (Variation ID: 1397519). This variant has not been reported in the literature in individuals affected with LAMB1-related conditions. This variant is present in population databases (rs140459621, gnomAD 0.03%). This sequence change replaces arginine, which is basic and polar, with glycine, which is neutral and non-polar, at codon 390 of the LAMB1 protein (p.Arg390Gly).

NM_002291.3(LAMB1):c.1168C>G (p.Arg390Gly)

Gene: LAMB1 (laminin subunit beta 1; minus strand). Cytogenetic location: 7q31.1.
Variant type: single nucleotide variant.
Coding change: c.1168C>G on transcript NM_002291.3 (MANE Select); coding-DNA position 1168, C replaced by G.
Protein change: p.Arg390Gly; replaces arginine 390 with glycine.
Molecular consequence: missense variant.
Genome position (GRCh38, 1-based): chr7:107,975,710, G>C on the plus strand (C>G on the coding strand, the complement: LAMB1 is on the minus strand). VCF-style: chr7-107975710-G-C. GRCh37 (hg19) VCF-style: chr7-107616155-G-C.
Other names: short protein forms R390G.
Identifiers: ClinVar variation 1397519 (VCV001397519.8), dbSNP rs140459621, ClinGen allele CA4436099.